The following is an entry in ClinVar:

NM_001040142.2(SCN2A):c.1457G>T (p.Ser486Ile)

Gene: SCN2A (sodium voltage-gated channel alpha subunit 2; plus strand). Cytogenetic location: 2q24.3.
Variant type: single nucleotide variant.
Coding change: c.1457G>T on transcript NM_001040142.2 (MANE Select); coding-DNA position 1457, G replaced by T.
Protein change: p.Ser486Ile; replaces serine 486 with isoleucine.
Molecular consequence: missense variant.
Genome position (GRCh38, 1-based): chr2:165,315,544, G>T. VCF-style: chr2-165315544-G-T. GRCh37 (hg19) VCF-style: chr2-166172054-G-T.
Other names: c.1457G>T, p.Ser486Ile (NM_001040143.2, NM_001371246.1, NM_001371247.1 and 1 more transcripts); short protein forms S486I.
Identifiers: ClinVar variation 1967281 (VCV001967281.5), dbSNP rs373691845, ClinGen allele CA349022903.

ClinVar aggregate classification (germline): Uncertain significance (1 of 4 stars; one submission).

Conditions:
Seizures, benign familial infantile, 3 (BFIS3). Also called: Familial neonatal seizures; CONVULSIONS, BENIGN FAMILIAL INFANTILE, 3. Identifiers: Orphanet 140927, Orphanet 306, MedGen C1843140, MONDO:0011904, OMIM 607745.
Developmental and epileptic encephalopathy, 11 (DEE11). Also called: Early infantile epileptic encephalopathy 11. Identifiers: Orphanet 1934, MedGen C3150987, MONDO:0013388, OMIM 613721.

Submission:

Labcorp Genetics (formerly Invitae), Labcorp
Classification: Uncertain significance for Seizures, benign familial infantile, 3; Developmental and epileptic encephalopathy, 11. Last evaluated: 2022-05-31. Review status: criteria provided, single submitter. Criteria: Invitae Variant Classification Sherloc (09022015). Collection method: clinical testing. Allele origin: germline.
Comment: This variant has not been reported in the literature in individuals affected with SCN2A-related conditions. This sequence change replaces serine, which is neutral and polar, with isoleucine, which is neutral and non-polar, at codon 486 of the SCN2A protein (p.Ser486Ile). This variant is not present in population databases (gnomAD no frequency). Algorithms developed to predict the effect of missense changes on protein structure and function are either unavailable or do not agree on the potential impact of this missense change (SIFT: "Deleterious"; PolyPhen-2: "Possibly Damaging"; Align-GVGD: "Class C0"). In summary, the available evidence is currently insufficient to determine the role of this variant in disease. Therefore, it has been classified as a Variant of Uncertain Significance.